The following is an entry in ClinVar:

ClinVar aggregate classification (germline): Likely benign. Review status: criteria provided, multiple submitters, no conflicts (2 of 4 stars). 3 submissions from 3 submitters: Likely benign (2). 1 of the submissions does not count toward it. Last evaluated 2026-01-23.

Conditions:
Nemaline myopathy 2 (NEM2). Also called: Nemaline myopathy 2, autosomal recessive. Identifiers: MedGen C1850569, MONDO:0009725, OMIM 256030.

Allele frequency attached by ClinVar (database versions not stated): gnomAD 0.00006 and 0.00007; TOPMed 0.00007; ExAC 0.00008; 1000 Genomes Project 30x 0.00016; 1000 Genomes Project 0.00020; gnomAD exomes 0.00008 and 0.00009.
gnomAD v4.1: 136 of 1,613,700 alleles (0.0084%); highest among the groups gnomAD compares: Non-Finnish European, 0.01%; no homozygotes.

Submissions (3):

Labcorp Genetics (formerly Invitae), Labcorp
Classification: Likely benign for Nemaline myopathy 2. Last evaluated: 2026-01-23. Review status: criteria provided, single submitter. Criteria: Invitae Variant Classification Sherloc (09022015). Collection method: clinical testing. Allele origin: germline.

CeGaT Center for Human Genetics Tuebingen
Classification: Likely benign. Last evaluated: 2025-09-01. Review status: criteria provided, single submitter. Criteria: CeGaT Center For Human Genetics Tuebingen Variant Classification Criteria Version 2. Collection method: clinical testing. Allele origin: germline. Affected: yes. Observed: 3 variant alleles.
Comment: NEB: BP4, BP7

Natera, Inc.
Classification: Uncertain significance for Nemaline myopathy type 2. Last evaluated: 2020-01-24. Review status: no assertion criteria provided. Collection method: clinical testing. Allele origin: germline. Not counted in ClinVar's aggregate classification.

NM_001164508.2(NEB):c.19674C>T (p.Tyr6558=)

Gene: NEB (nebulin; minus strand). Cytogenetic location: 2q23.3.
Variant type: single nucleotide variant.
Coding change: c.19674C>T on transcript NM_001164508.2 (MANE Select); coding-DNA position 19674, C replaced by T.
Protein change: p.Tyr6558=; no amino-acid change (tyrosine 6558 retained).
Molecular consequence: synonymous variant.
Genome position (GRCh38, 1-based): chr2:151,553,455, G>A on the plus strand (C>T on the coding strand, the complement: NEB is on the minus strand). VCF-style: chr2-151553455-G-A. GRCh37 (hg19) VCF-style: chr2-152409969-G-A.
Other names: c.19674C>T, p.Tyr6558= (NM_001164507.2, NM_001271208.2); c.14571C>T, p.Tyr4857= (NM_004543.5).
Identifiers: ClinVar variation 703961 (VCV000703961.36), dbSNP rs201515651, ClinGen allele CA1907569.